The following is an entry in ClinVar:

NM_001286.5(CLCN6):c.56G>C (p.Gly19Ala)

Gene: CLCN6 (chloride voltage-gated channel 6; plus strand). Cytogenetic location: 1p36.22.
Variant type: single nucleotide variant.
Coding change: c.56G>C on transcript NM_001286.5 (MANE Select); coding-DNA position 56, G replaced by C.
Protein change: p.Gly19Ala; replaces glycine 19 with alanine.
Molecular consequence: missense variant. On other transcripts: non-coding transcript variant (1).
Genome position (GRCh38, 1-based): chr1:11,806,318, G>C. VCF-style: chr1-11806318-G-C. GRCh37 (hg19) VCF-style: chr1-11866375-G-C.
Other names: c.56G>C, p.Gly19Ala (NM_001256959.2); short protein forms G19A.
Identifiers: ClinVar variation 1360369 (VCV001360369.8), dbSNP rs1644507807, ClinGen allele CA338424050.

ClinVar aggregate classification (germline): Uncertain significance (1 of 4 stars; one submission).

Allele frequency attached by ClinVar (database versions not stated): TOPMed below 0.00001; gnomAD 0.00001.

Submission:

Labcorp Genetics (formerly Invitae), Labcorp
Classification: Uncertain significance. Last evaluated: 2022-03-17. Review status: criteria provided, single submitter. Criteria: Invitae Variant Classification Sherloc (09022015). Collection method: clinical testing. Allele origin: germline.
Comment: This variant is not present in population databases (gnomAD no frequency). This sequence change replaces glycine, which is neutral and non-polar, with alanine, which is neutral and non-polar, at codon 19 of the CLCN6 protein (p.Gly19Ala). This variant has not been reported in the literature in individuals affected with CLCN6-related conditions. In summary, the available evidence is currently insufficient to determine the role of this variant in disease. Therefore, it has been classified as a Variant of Uncertain Significance. Algorithms developed to predict the effect of missense changes on protein structure and function are either unavailable or do not agree on the potential impact of this missense change (SIFT: "Tolerated"; PolyPhen-2: "Not Available"; Align-GVGD: "Class C0").